The following is an entry in ClinVar:

NM_005896.4(IDH1):c.879C>G (p.Ser293Arg)

Gene: IDH1 (isocitrate dehydrogenase (NADP(+)) 1; minus strand). Cytogenetic location: 2q34.
Variant type: single nucleotide variant.
Coding change: c.879C>G on transcript NM_005896.4 (MANE Select); coding-DNA position 879, C replaced by G.
Protein change: p.Ser293Arg; replaces serine 293 with arginine.
Molecular consequence: missense variant.
Genome position (GRCh38, 1-based): chr2:208,239,975, G>C on the plus strand (C>G on the coding strand, the complement: IDH1 is on the minus strand). VCF-style: chr2-208239975-G-C. GRCh37 (hg19) VCF-style: chr2-209104699-G-C.
Other names: c.879C>G, p.Ser293Arg (NM_001282386.1, NM_001282387.1); short protein forms S293R.
Identifiers: ClinVar variation 2587378 (VCV002587378.2), dbSNP rs1248089921, ClinGen allele CA350095456.
Genomic context (GRCh38, chr2:208,239,975, plus strand): 5'-GGTTACAGTCCCGTGGGCAGCCTCTGCTTCTACTGTCTTGCCATCTGGACAAACCAGCAC[G>C]CTGGTCATCATGCCGAGAGAGCCATACCCTGTAAGTAGTGGAGCATGAAGCGTTGGGTCC-3'
Protein context (NP_005887.2, residues 283-303): QGYGSLGMMT[Ser293Arg]VLVCPDGKTV

ClinVar aggregate classification (germline): Uncertain significance (1 of 4 stars; one submission).

Submission:

Ambry Genetics
Classification: Uncertain significance. Last evaluated: 2023-07-29. Review status: criteria provided, single submitter. Criteria: Ambry Variant Classification Scheme 2023. Collection method: clinical testing. Allele origin: germline.
Comment: The p.S293R variant (also known as c.879C>G), located in coding exon 6 of the IDH1 gene, results from a C to G substitution at nucleotide position 879. The serine at codon 293 is replaced by arginine, an amino acid with dissimilar properties. This amino acid position is conserved. In addition, this alteration is predicted to be deleterious by in silico analysis. Since supporting evidence is limited at this time, the clinical significance of this alteration remains unclear.